The following is an entry in ClinVar:

NM_018646.6(TRPV6):c.169A>G (p.Ser57Gly)

Gene: TRPV6 (transient receptor potential cation channel subfamily V member 6; minus strand). Cytogenetic location: 7q34.
Variant type: single nucleotide variant.
Coding change: c.169A>G on transcript NM_018646.6 (MANE Select); coding-DNA position 169, A replaced by G.
Protein change: p.Ser57Gly; replaces serine 57 with glycine.
Molecular consequence: missense variant.
Genome position (GRCh38, 1-based): chr7:142,885,468, T>C on the plus strand (A>G on the coding strand, the complement: TRPV6 is on the minus strand). VCF-style: chr7-142885468-T-C. GRCh37 (hg19) VCF-style: chr7-142583213-T-C.
Other names: short protein forms S57G.
Identifiers: ClinVar variation 3716836 (VCV003716836.2).
Genomic context (GRCh38, chr7:142,885,468, plus strand): 5'-TCTGCTCATCTCGGCTCTGGGCCCAGGACTCCCGTCTCTGGAACCATCTGCAGAACTTGC[T>C]CCATAGGCAGAGAATTAGCCCTTTCTCCTTGGGCAGTGACAAACCCATGGGGTGTAGGGC-3'
Protein context (NP_061116.5, residues 47-67): KEKGLILCLW[Ser57Gly]KFCRWFQRRE

ClinVar aggregate classification (germline): Uncertain significance (1 of 4 stars; one submission).

Submission:

Labcorp Genetics (formerly Invitae), Labcorp
Classification: Uncertain significance. Last evaluated: 2024-08-21. Review status: criteria provided, single submitter. Criteria: Invitae Variant Classification Sherloc (09022015). Collection method: clinical testing. Allele origin: germline.
Comment: This sequence change replaces serine, which is neutral and polar, with glycine, which is neutral and non-polar, at codon 57 of the TRPV6 protein (p.Ser57Gly). This variant is present in population databases (rs183289192, gnomAD 0.1%). This variant has not been reported in the literature in individuals affected with TRPV6-related conditions. An algorithm developed to predict the effect of missense changes on protein structure and function outputs the following: PolyPhen-2: "Not Available". The glycine amino acid residue is found in multiple mammalian species, which suggests that this missense change does not adversely affect protein function. Algorithms developed to predict the effect of sequence changes on RNA splicing suggest that this variant may create or strengthen a splice site. In summary, the available evidence is currently insufficient to determine the role of this variant in disease. Therefore, it has been classified as a Variant of Uncertain Significance.